The following is an entry in ClinVar:

ClinVar aggregate classification (germline): Benign. Review status: criteria provided, multiple submitters, no conflicts (2 of 4 stars). 2 submissions from 2 submitters: Benign (2). Last evaluated 2018-01-12.

Conditions:
Woodhouse-Sakati syndrome. Also called: Hypogonadism, Alopecia, Diabetes Mellitus, Mental Retardation, and Extrapyramidal Syndrome; Hypogonadism, diabetes mellitus, alopecia, mental retardation and electrocardiographic abnormalities; EXTRAPYRAMIDAL DISORDER, PROGRESSIVE, WITH PRIMARY HYPOGONADISM, MENTAL RETARDATION, AND ALOPECIA. Identifiers: Orphanet 3464, MedGen C0342286, MONDO:0009419, OMIM 241080.

Allele frequency attached by ClinVar (database versions not stated): ExAC 0.01627; TOPMed 0.03139; 1000 Genomes Project 0.03834; 1000 Genomes Project 30x 0.03795.
gnomAD v4.1: 11,900 of 454,000 alleles (2.6%); highest among the groups gnomAD compares: East Asian, 4.7%; 185 homozygotes.

Submissions (2):

Illumina Laboratory Services, Illumina
Classification: Benign for Woodhouse-Sakati syndrome. Last evaluated: 2018-01-12. Review status: criteria provided, single submitter. Criteria: ICSL Variant Classification Criteria 13 December 2019. Collection method: clinical testing. Allele origin: germline.
Comment: This variant was observed in the ICSL laboratory as part of a predisposition screen in an ostensibly healthy population. It had not been previously curated by ICSL or reported in the Human Gene Mutation Database (HGMD: prior to June 1st, 2018), and was therefore a candidate for classification through an automated scoring system. Utilizing variant allele frequency, disease prevalence and penetrance estimates, and inheritance mode, an automated score was calculated to assess if this variant is too frequent to cause the disease. Based on the score and internal cut-off values, a variant classified as benign is not then subjected to further curation. The score for this variant resulted in a classification of benign for this disease.

Breakthrough Genomics
Classification: Benign. Review status: criteria provided, single submitter. Criteria: ACMG Guidelines, 2015. Collection method: not provided. Allele origin: germline. Inheritance: Autosomal recessive inheritance. Affected: yes.

NM_025000.4(DCAF17):c.*2775G>T

Gene: DCAF17 (DDB1 and CUL4 associated factor 17; plus strand). Cytogenetic location: 2q31.1.
Variant type: single nucleotide variant.
Coding change: c.*2775G>T on transcript NM_025000.4 (MANE Select); 2775 bases downstream of the stop codon, G replaced by T.
Molecular consequence: 3 prime UTR variant. On other transcripts: non-coding transcript variant (1).
Genome position (GRCh38, 1-based): chr2:171,483,889, G>T. VCF-style: chr2-171483889-G-T. GRCh37 (hg19) VCF-style: chr2-172340399-G-T.
Other names: c.*2775G>T (NM_001164821.2).
Identifiers: ClinVar variation 332305 (VCV000332305.6), dbSNP rs16859404, ClinGen allele CA1965131.